The following is an entry in ClinVar:

NM_001365999.1(SZT2):c.2591C>G (p.Thr864Ser)

Gene: SZT2 (SZT2 subunit of KICSTOR complex; plus strand). Cytogenetic location: 1p34.2.
Variant type: single nucleotide variant.
Coding change: c.2591C>G on transcript NM_001365999.1 (MANE Select); coding-DNA position 2591, C replaced by G.
Protein change: p.Thr864Ser; replaces threonine 864 with serine.
Molecular consequence: missense variant.
Genome position (GRCh38, 1-based): chr1:43,425,153, C>G. VCF-style: chr1-43425153-C-G. GRCh37 (hg19) VCF-style: chr1-43890824-C-G.
Other names: c.2591C>G, p.Thr864Ser (NM_015284.4); c.2591C>G (NM_015284.3); short protein forms T864S.
Identifiers: ClinVar variation 1423021 (VCV001423021.5), dbSNP rs765029002, ClinGen allele CA808750.

ClinVar aggregate classification (germline): Uncertain significance. Review status: criteria provided, multiple submitters, no conflicts (2 of 4 stars). 2 submissions from 2 submitters: Uncertain significance (2). Last evaluated 2024-03-20.

Allele frequency attached by ClinVar (database versions not stated): gnomAD 0.00002.
gnomAD v4.1: 23 of 1,614,080 alleles (0.0014%); highest among the groups gnomAD compares: South Asian, 0.025%; no homozygotes.

Submissions (2):

GeneDx
Classification: Uncertain significance. Last evaluated: 2024-03-20. Review status: criteria provided, single submitter. Criteria: GeneDx Variant Classification Process June 2021. Collection method: clinical testing. Allele origin: germline. Affected: yes.
Comment: In silico analysis supports that this missense variant does not alter protein structure/function; Has not been previously published as pathogenic or benign to our knowledge

Labcorp Genetics (formerly Invitae), Labcorp
Classification: Uncertain significance. Last evaluated: 2023-11-03. Review status: criteria provided, single submitter. Criteria: Invitae Variant Classification Sherloc (09022015). Collection method: clinical testing. Allele origin: germline.
Comment: This sequence change replaces threonine, which is neutral and polar, with serine, which is neutral and polar, at codon 864 of the SZT2 protein (p.Thr864Ser). This variant is present in population databases (rs765029002, gnomAD 0.02%). This variant has not been reported in the literature in individuals affected with SZT2-related conditions. ClinVar contains an entry for this variant (Variation ID: 1423021). Advanced modeling of protein sequence and biophysical properties (such as structural, functional, and spatial information, amino acid conservation, physicochemical variation, residue mobility, and thermodynamic stability) performed at Invitae indicates that this missense variant is not expected to disrupt SZT2 protein function with a negative predictive value of 80%. In summary, the available evidence is currently insufficient to determine the role of this variant in disease. Therefore, it has been classified as a Variant of Uncertain Significance.